The following is an entry in ClinVar:

NM_001029883.3(PCARE):c.2119C>G (p.Pro707Ala)

Gene: PCARE (photoreceptor cilium actin regulator; minus strand). Cytogenetic location: 2p23.2.
Variant type: single nucleotide variant.
Coding change: c.2119C>G on transcript NM_001029883.3 (MANE Select); coding-DNA position 2119, C replaced by G.
Protein change: p.Pro707Ala; replaces proline 707 with alanine.
Molecular consequence: missense variant.
Genome position (GRCh38, 1-based): chr2:29,072,143, G>C on the plus strand (C>G on the coding strand, the complement: PCARE is on the minus strand). VCF-style: chr2-29072143-G-C. GRCh37 (hg19) VCF-style: chr2-29295009-G-C.
Other names: short protein forms P707A.
Identifiers: ClinVar variation 1368002 (VCV001368002.8), dbSNP rs1009960167, ClinGen allele CA44641674.
Genomic context (GRCh38, chr2:29,072,143, plus strand): 5'-TGGGACAGCCTCTGACATTCCAGTCTGTGGCCTTGGCAGCCTCACTGACCTCTCCTGATG[G>C]GATGGCATTTGGAAGCTTCCCAGCTTTGCCTTGTTCGTCCTCAGGATGGGGATTGCATTT-3'
Protein context (NP_001025054.1, residues 697-717): GKAGKLPNAI[Pro707Ala]SGEVSEAAKA

ClinVar aggregate classification (germline): Uncertain significance (1 of 4 stars; one submission).

Allele frequency attached by ClinVar (database versions not stated): gnomAD exomes 0.00003.

Submission:

Labcorp Genetics (formerly Invitae), Labcorp
Classification: Uncertain significance. Last evaluated: 2023-03-01. Review status: criteria provided, single submitter. Criteria: Invitae Variant Classification Sherloc (09022015). Collection method: clinical testing. Allele origin: germline.
Comment: In summary, the available evidence is currently insufficient to determine the role of this variant in disease. Therefore, it has been classified as a Variant of Uncertain Significance. An algorithm developed to predict the effect of missense changes on protein structure and function (PolyPhen-2) suggests that this variant is likely to be tolerated. ClinVar contains an entry for this variant (Variation ID: 1368002). This variant has not been reported in the literature in individuals affected with PCARE-related conditions. This sequence change replaces proline, which is neutral and non-polar, with alanine, which is neutral and non-polar, at codon 707 of the PCARE protein (p.Pro707Ala). This variant is not present in population databases (gnomAD no frequency).